The following is an entry in ClinVar:

ClinVar aggregate classification (germline): Uncertain significance. Review status: criteria provided, multiple submitters, no conflicts (2 of 4 stars). 2 submissions from 2 submitters: Uncertain significance (2). Last evaluated 2026-04-09.

Conditions:
Sialuria. Also called: SIALURIA, FRENCH TYPE; Sialic Acid Storage Disease. Identifiers: Orphanet 3166, MedGen C0342853, MONDO:0010028, OMIM 269921.
GNE myopathy (NM). Also called: NONAKA DISTAL MYOPATHY; INCLUSION BODY MYOPATHY, HEREDITARY, AUTOSOMAL RECESSIVE; INCLUSION BODY MYOPATHY 2, AUTOSOMAL RECESSIVE; MYOPATHY, DISTAL, WITH OR WITHOUT RIMMED VACUOLES; IBM 2; Inclusion body myopathy autosomal recessive. Identifiers: Orphanet 602, MedGen C1853926, MONDO:0011603, OMIM 605820.

Submissions (2):

Dasa
Classification: Uncertain significance. Last evaluated: 2026-04-09. Review status: criteria provided, single submitter. Criteria: DASA Assertion Criteria. Collection method: clinical testing. Allele origin: germline.
Comment: NM_005476.7(GNE):c.2038A>G (p.Lys680Glu) is a missense variant that results in the substitution of lysine with glutamic acid. This variant is rare in population databases. The currently available literature and clinical evidence are not sufficient to establish a definitive association between this variant and the reported condition. Therefore, this variant is classified as a variant of uncertain significance.

Labcorp Genetics (formerly Invitae), Labcorp
Classification: Uncertain significance for Sialuria; GNE myopathy. Last evaluated: 2022-07-21. Review status: criteria provided, single submitter. Criteria: Invitae Variant Classification Sherloc (09022015). Collection method: clinical testing. Allele origin: germline.
Comment: This variant is not present in population databases (gnomAD no frequency). This sequence change replaces lysine, which is basic and polar, with glutamic acid, which is acidic and polar, at codon 711 of the GNE protein (p.Lys711Glu). This variant has not been reported in the literature in individuals affected with GNE-related conditions. Advanced modeling of protein sequence and biophysical properties (such as structural, functional, and spatial information, amino acid conservation, physicochemical variation, residue mobility, and thermodynamic stability) performed at Invitae indicates that this missense variant is not expected to disrupt GNE protein function. In summary, the available evidence is currently insufficient to determine the role of this variant in disease. Therefore, it has been classified as a Variant of Uncertain Significance.

NM_005476.7(GNE):c.2038A>G (p.Lys680Glu)

Gene: GNE (glucosamine (UDP-N-acetyl)-2-epimerase/N-acetylmannosamine kinase; minus strand). Cytogenetic location: 9p13.3.
Variant type: single nucleotide variant.
Coding change: c.2038A>G on transcript NM_005476.7 (MANE Select); coding-DNA position 2038, A replaced by G.
Protein change: p.Lys680Glu; replaces lysine 680 with glutamic acid.
Molecular consequence: missense variant.
Genome position (GRCh38, 1-based): chr9:36,217,496, T>C on the plus strand (A>G on the coding strand, the complement: GNE is on the minus strand). VCF-style: chr9-36217496-T-C. GRCh37 (hg19) VCF-style: chr9-36217493-T-C.
Other names: c.2131A>G, p.Lys711Glu (NM_001128227.3); c.1816A>G, p.Lys606Glu (NM_001190383.3); c.1708A>G, p.Lys570Glu (NM_001190384.3); c.1861A>G, p.Lys621Glu (NM_001190388.2, NM_001374798.1); c.1885A>G, p.Lys629Glu (NM_001374797.1); short protein forms K680E, K570E, K606E, K629E, K621E, K711E.
Identifiers: ClinVar variation 1942269 (VCV001942269.7), dbSNP rs1179955008, ClinGen allele CA373424538.
Genomic context (GRCh38, chr9:36,217,496, plus strand): 5'-CCGAAACCACCACATCCACGTCCTGCACGGAGGACAAGGCCTGCTGGCGAATGACGTCTT[T>C]GACAATGTGGATATAGTGACTGGCCAGGACTCCGGAGAGGATCACAAGGGAGGGATTCAT-3'
Protein context (NP_005467.1, residues 670-690): VLASHYIHIV[Lys680Glu]DVIRQQALSS